The following is an entry in ClinVar:

NM_002691.4(POLD1):c.2116G>A (p.Ala706Thr)

Gene: POLD1 (DNA polymerase delta 1, catalytic subunit; plus strand). Cytogenetic location: 19q13.33.
Variant type: single nucleotide variant.
Coding change: c.2116G>A on transcript NM_002691.4 (MANE Select); coding-DNA position 2116, G replaced by A.
Protein change: p.Ala706Thr; replaces alanine 706 with threonine.
Molecular consequence: missense variant. On other transcripts: non-coding transcript variant (1).
Genome position (GRCh38, 1-based): chr19:50,409,628, G>A. VCF-style: chr19-50409628-G-A. GRCh37 (hg19) VCF-style: chr19-50912885-G-A.
Other names: c.2116G>A, p.Ala706Thr (NM_001256849.1); c.2194G>A, p.Ala732Thr (NM_001308632.1); c.2116G>A (NM_002691.2); short protein forms A732T, A706T.
Identifiers: ClinVar variation 567687 (VCV000567687.11), dbSNP rs1363178844, ClinGen allele CA406982657.

ClinVar aggregate classification (germline): Uncertain significance. Review status: criteria provided, multiple submitters, no conflicts (2 of 4 stars). 3 submissions from 3 submitters: Uncertain significance (3). Last evaluated 2025-09-27.

Conditions:
POLD1-related polyposis and colorectal cancer syndrome (CRCS10). Also called: Colorectal cancer 10; COLORECTAL CANCER, SUSCEPTIBILITY TO, ON CHROMOSOME 19q; Colorectal cancer, susceptibility to, 10. Identifiers: Orphanet 220460, MedGen C2675481, MONDO:0012953, OMIM 612591.
Hereditary cancer-predisposing syndrome. Also called: Tumor predisposition; Neoplastic Syndromes, Hereditary; Hereditary Cancer Syndrome; Hereditary neoplastic syndrome. Identifiers: Orphanet 140162, MedGen C0027672, MeSH D009386, MONDO:0015356.

Allele frequency attached by ClinVar (database versions not stated): gnomAD 0.00001.
gnomAD v4.1: 2 of 1,607,740 alleles (0.00012%); highest among the groups gnomAD compares: Non-Finnish European, 0.00017%; no homozygotes.

Submissions (3):

Ambry Genetics
Classification: Uncertain significance for Hereditary cancer-predisposing syndrome. Last evaluated: 2025-09-27. Review status: criteria provided, single submitter. Criteria: Ambry Variant Classification Scheme 2023. Collection method: clinical testing. Allele origin: germline.

Labcorp Genetics (formerly Invitae), Labcorp
Classification: Uncertain significance for POLD1-related polyposis and colorectal cancer syndrome. Last evaluated: 2025-07-01. Review status: criteria provided, single submitter. Criteria: Invitae Variant Classification Sherloc (09022015). Collection method: clinical testing. Allele origin: germline.
Comment: This sequence change replaces alanine, which is neutral and non-polar, with threonine, which is neutral and polar, at codon 706 of the POLD1 protein (p.Ala706Thr). This variant is not present in population databases (gnomAD no frequency). This variant has not been reported in the literature in individuals affected with POLD1-related conditions. ClinVar contains an entry for this variant (Variation ID: 567687). Invitae Evidence Modeling of protein sequence and biophysical properties (such as structural, functional, and spatial information, amino acid conservation, physicochemical variation, residue mobility, and thermodynamic stability) has been performed for this missense variant. However, the output from this modeling did not meet the statistical confidence thresholds required to predict the impact of this variant on POLD1 protein function. In summary, the available evidence is currently insufficient to determine the role of this variant in disease. Therefore, it has been classified as a Variant of Uncertain Significance.

Blueprint Genetics
Classification: Uncertain significance. Last evaluated: 2023-12-08. Review status: criteria provided, single submitter. Criteria: ACMG Guidelines, 2015. Collection method: clinical testing. Allele origin: germline.